The following is an entry in ClinVar:

ClinVar aggregate classification (germline): Uncertain significance (1 of 4 stars; one submission).

Conditions:
Nephronophthisis 16 (NPHP16). Identifiers: Orphanet 655, MedGen C3809320, MONDO:0014158, OMIM 615382.

Allele frequency attached by ClinVar (database versions not stated): gnomAD 0.00003; TOPMed 0.00003.
gnomAD v4.1: 44 of 1,613,914 alleles (0.0027%); highest among the groups gnomAD compares: Non-Finnish European, 0.0035%; no homozygotes.

Submission:

Labcorp Genetics (formerly Invitae), Labcorp
Classification: Uncertain significance for Nephronophthisis 16. Last evaluated: 2024-05-29. Review status: criteria provided, single submitter. Criteria: Invitae Variant Classification Sherloc (09022015). Collection method: clinical testing. Allele origin: germline.
Comment: This sequence change replaces arginine, which is basic and polar, with glutamine, which is neutral and polar, at codon 686 of the ANKS6 protein (p.Arg686Gln). This variant is present in population databases (no rsID available, gnomAD 0.007%). This variant has not been reported in the literature in individuals affected with ANKS6-related conditions. ClinVar contains an entry for this variant (Variation ID: 2163785). Algorithms developed to predict the effect of missense changes on protein structure and function output the following: SIFT: "Not Available"; PolyPhen-2: "Benign"; Align-GVGD: "Not Available". The glutamine amino acid residue is found in multiple mammalian species, which suggests that this missense change does not adversely affect protein function. In summary, the available evidence is currently insufficient to determine the role of this variant in disease. Therefore, it has been classified as a Variant of Uncertain Significance.

NM_173551.5(ANKS6):c.2057G>A (p.Arg686Gln)

Gene: ANKS6 (ankyrin repeat and sterile alpha motif domain containing 6; minus strand). Cytogenetic location: 9q22.33.
Variant type: single nucleotide variant.
Coding change: c.2057G>A on transcript NM_173551.5 (MANE Select); coding-DNA position 2057, G replaced by A.
Protein change: p.Arg686Gln; replaces arginine 686 with glutamine.
Molecular consequence: missense variant.
Genome position (GRCh38, 1-based): chr9:98,768,166, C>T on the plus strand (G>A on the coding strand, the complement: ANKS6 is on the minus strand). VCF-style: chr9-98768166-C-T. GRCh37 (hg19) VCF-style: chr9-101530448-C-T.
Other names: short protein forms R686Q.
Identifiers: ClinVar variation 2163785 (VCV002163785.4), dbSNP rs978673028, ClinGen allele CA196805174.
Genomic context (GRCh38, chr9:98,768,166, plus strand): 5'-GCAGGGGAGGCTGGAAGCTCAGACGGGCTGGACCCCGGTGCTGGCCCCACAGGGCTTGAC[C>T]GATGGCTGGGTTTCTGCTCCAATAATCCGGCTGCTTTTTTCCTCTGGGCAGCGATTTGGG-3'
Protein context (NP_775822.3, residues 676-696): AGLLEQKPSH[Arg686Gln]SSPVGPAPGS